The following is an entry in ClinVar:

ClinVar aggregate classification (germline): Pathogenic (1 of 4 stars; one submission).

Conditions:
Progressive sclerosing poliodystrophy (MTDPS4A). Also called: ALPERS PROGRESSIVE INFANTILE POLIODYSTROPHY; NEURONAL DEGENERATION OF CHILDHOOD WITH LIVER DISEASE, PROGRESSIVE; Mitochondrial DNA depletion syndrome 4A (Alpers type); Mitochondrial DNA Depletion Syndrome 4A; Alpers-Huttenlocher Syndrome (AHS); Alpers Syndrome. Identifiers: Orphanet 726, MedGen C0205710, MONDO:0008758, OMIM 203700.

Submission:

Labcorp Genetics (formerly Invitae), Labcorp
Classification: Pathogenic for Progressive sclerosing poliodystrophy. Last evaluated: 2023-12-30. Review status: criteria provided, single submitter. Criteria: Invitae Variant Classification Sherloc (09022015). Collection method: clinical testing. Allele origin: germline.
Comment: This sequence change creates a premature translational stop signal (p.Ile1185Serfs*8) in the POLG gene. It is expected to result in an absent or disrupted protein product. Loss-of-function variants in POLG are known to be pathogenic (PMID: 18546365). This variant is not present in population databases (gnomAD no frequency). This variant has not been reported in the literature in individuals affected with POLG-related conditions. For these reasons, this variant has been classified as Pathogenic.

Literature cited by the submitters: PubMed 18546365.

NM_002693.3(POLG):c.3489_3553dup (p.Ile1185delinsSerLeuProThrSerTrpValTer)

Gene: POLG (DNA polymerase gamma, catalytic subunit; minus strand). Cytogenetic location: 15q26.1.
Variant type: Duplication.
Coding change: c.3489_3553dup on transcript NM_002693.3 (MANE Select); coding-DNA positions 3489 to 3553, 65 bases duplicated.
Protein change: p.Ile1185delinsSerLeuProThrSerTrpValTer.
Molecular consequence: nonsense.
Genome position (GRCh38, 1-based): chr15:89,317,466-89,317,530, 65 bases duplicated. GRCh37 (hg19): chr15:89,860,697-89,860,761.
Other names: c.3489_3553dup, p.Ile1185delinsSerLeuProThrSerTrpValTer (NM_001126131.2).
Identifiers: ClinVar variation 2706411 (VCV002706411.3), dbSNP rs2509184679, ClinGen allele CA2697549285.